The following is an entry in ClinVar:

ClinVar aggregate classification (germline): Conflicting classifications of pathogenicity. Review status: criteria provided, conflicting classifications (1 of 4 stars). 5 submissions from 5 submitters: Uncertain significance (2); Likely benign (1). 2 of the submissions do not count toward it. Last evaluated 2025-05-09.

Conditions:
Hereditary breast ovarian cancer syndrome. Also called: Hereditary breast and ovarian cancer syndrome; Hereditary breast and ovarian cancer; Hereditary breast and ovarian cancer syndrome (HBOC); Breast and ovarian cancer; Hereditary breast and/or ovarian cancer syndrome; BRCA1- and BRCA2-Associated Hereditary Breast and Ovarian Cancer. Identifiers: Orphanet 145, MedGen C0677776, MeSH D061325, MONDO:0003582. Disease mechanism: loss of function.
Breast-ovarian cancer, familial, susceptibility to, 2 (BROVCA2). Also called: BRCA2 Hereditary Breast and Ovarian Cancer. Identifiers: Orphanet 145, MedGen C2675520, MONDO:0012933, OMIM 612555. Disease mechanism: loss of function.
Hereditary cancer-predisposing syndrome. Also called: Neoplastic Syndromes, Hereditary; Tumor predisposition; Hereditary Cancer Syndrome; Hereditary neoplastic syndrome. Identifiers: Orphanet 140162, MedGen C0027672, MeSH D009386, MONDO:0015356.
Breast and/or ovarian cancer. Identifiers: MedGen CN221562.

Allele frequency attached by ClinVar (database versions not stated): gnomAD exomes below 0.00001; ExAC 0.00001.

Submissions (5):

Ambry Genetics
Classification: Uncertain significance for Hereditary cancer-predisposing syndrome. Last evaluated: 2025-05-09. Review status: criteria provided, single submitter. Criteria: Ambry Variant Classification Scheme 2023. Collection method: clinical testing. Allele origin: germline.
Comment: The p.I1516N variant (also known as c.4547T>A), located in coding exon 10 of the BRCA2 gene, results from a T to A substitution at nucleotide position 4547. The isoleucine at codon 1516 is replaced by asparagine, an amino acid with dissimilar properties. This amino acid position is not well conserved in available vertebrate species. In addition, this alteration is predicted to be tolerated by in silico analysis. Since supporting evidence is limited at this time, the clinical significance of this alteration remains unclear.

University of Washington Department of Laboratory Medicine, University of Washington
Classification: Likely benign for Hereditary cancer-predisposing syndrome. Last evaluated: 2023-03-23. Review status: criteria provided, single submitter. Criteria: Dines et al. (Genet Med. 2020). Collection method: curation. Allele origin: germline.
Comment: Missense variant in a coldspot region where missense variants are very unlikely to be pathogenic (PMID:31911673).

BRCA2 exon 11 coldspot. Reclassification based on statistical prior probability.

Labcorp Genetics (formerly Invitae), Labcorp
Classification: Uncertain significance for Hereditary breast ovarian cancer syndrome. Last evaluated: 2020-12-01. Review status: criteria provided, single submitter. Criteria: Invitae Variant Classification Sherloc (09022015). Collection method: clinical testing. Allele origin: germline.
Comment: This sequence change replaces isoleucine with asparagine at codon 1516 of the BRCA2 protein (p.Ile1516Asn). The isoleucine residue is weakly conserved and there is a large physicochemical difference between isoleucine and asparagine. This variant is present in population databases (rs80358689, ExAC 0.002%). This variant has not been reported in the literature in individuals with BRCA2-related disease. ClinVar contains an entry for this variant (Variation ID: 51668). Algorithms developed to predict the effect of missense changes on protein structure and function (SIFT, PolyPhen-2, Align-GVGD) all suggest that this variant is likely to be tolerated, but these predictions have not been confirmed by published functional studies and their clinical significance is uncertain. In summary, the available evidence is currently insufficient to determine the role of this variant in disease. Therefore, it has been classified as a Variant of Uncertain Significance.

Breast Cancer Information Core (BIC) (BRCA2)
Classification: Uncertain significance for Breast-ovarian cancer, familial 2. Last evaluated: 2001-03-30. Review status: no assertion criteria provided. Collection method: clinical testing. Allele origin: germline. Affected: yes. Observed: 1 variant allele. Not counted in ClinVar's aggregate classification.

Foulkes Cancer Genetics LDI, Lady Davis Institute for Medical Research
Classification: Uncertain significance for Breast and/or ovarian cancer. Last evaluated: 2001-03-02. Review status: no assertion criteria provided. Collection method: clinical testing. Allele origin: germline. Study: The Canadian Open Genetics Repository (COGR). Not counted in ClinVar's aggregate classification.

NM_000059.4(BRCA2):c.4547T>A (p.Ile1516Asn)

Gene: BRCA2 (BRCA2 DNA repair associated; plus strand). Cytogenetic location: 13q13.1.
Variant type: single nucleotide variant.
Coding change: c.4547T>A on transcript NM_000059.4 (MANE Select); coding-DNA position 4547, T replaced by A.
Protein change: p.Ile1516Asn; replaces isoleucine 1516 with asparagine.
Molecular consequence: missense variant.
Genome position (GRCh38, 1-based): chr13:32,338,902, T>A. VCF-style: chr13-32338902-T-A. GRCh37 (hg19) VCF-style: chr13-32913039-T-A.
Other names: short protein forms I1516N.
Identifiers: ClinVar variation 51668 (VCV000051668.17), dbSNP rs80358689, ClinGen allele CA020395.